The following is an entry in ClinVar:

ClinVar aggregate classification (germline): Uncertain significance. Review status: criteria provided, multiple submitters, no conflicts (2 of 4 stars). 2 submissions from 2 submitters: Uncertain significance (2). Last evaluated 2026-04-23.

Conditions:
LHFPL5-related disorder. Also called: LHFPL5-related condition.

Submissions (2):

PreventionGenetics, part of Exact Sciences
Classification: Uncertain significance for LHFPL5-related condition. Last evaluated: 2026-04-23. Review status: criteria provided, single submitter. Criteria: ACMG Guidelines, 2015. Collection method: clinical testing. Allele origin: germline.
Comment: The LHFPL5 c.73G>A variant is predicted to result in the amino acid substitution p.Val25Met. To our knowledge, this variant has not been reported in the literature. This variant is reported in 0.080% of alleles in individuals of East Asian descent in gnomAD. Although we suspect that this variant may be benign, at this time, the clinical significance of this variant is uncertain due to the absence of conclusive functional and genetic evidence.

Blueprint Genetics
Classification: Uncertain significance. Last evaluated: 2023-08-17. Review status: criteria provided, single submitter. Criteria: ACMG Guidelines, 2015. Collection method: clinical testing. Allele origin: germline.

NM_182548.4(LHFPL5):c.73G>A (p.Val25Met)

Gene: LHFPL5 (LHFPL tetraspan subfamily member 5; plus strand). Cytogenetic location: 6p21.31.
Variant type: single nucleotide variant.
Coding change: c.73G>A on transcript NM_182548.4 (MANE Select); coding-DNA position 73, G replaced by A.
Protein change: p.Val25Met; replaces valine 25 with methionine.
Molecular consequence: missense variant.
Genome position (GRCh38, 1-based): chr6:35,805,743, G>A. VCF-style: chr6-35805743-G-A. GRCh37 (hg19) VCF-style: chr6-35773520-G-A.
Other names: c.73G>A (NM_182548.3); short protein forms V25M.
Identifiers: ClinVar variation 4891815 (VCV004891815.2).